The following is an entry in ClinVar:

NM_000059.4(BRCA2):c.1336T>C (p.Leu446=)

Gene: BRCA2 (BRCA2 DNA repair associated; plus strand). Cytogenetic location: 13q13.1.
Variant type: single nucleotide variant.
Coding change: c.1336T>C on transcript NM_000059.4 (MANE Select); coding-DNA position 1336, T replaced by C.
Protein change: p.Leu446=; no amino-acid change (leucine 446 retained).
Molecular consequence: synonymous variant.
Genome position (GRCh38, 1-based): chr13:32,332,814, T>C. VCF-style: chr13-32332814-T-C. GRCh37 (hg19) VCF-style: chr13-32906951-T-C.
Identifiers: ClinVar variation 427504 (VCV000427504.12), dbSNP rs761858047, ClinGen allele CA6940508.

ClinVar aggregate classification (germline): Likely benign. Review status: reviewed by expert panel (3 of 4 stars). 2 submissions from 2 submitters: Likely benign (1). 1 of the submissions does not count toward it. Last evaluated 2017-06-29.

Conditions:
Hereditary breast ovarian cancer syndrome. Also called: Hereditary breast and ovarian cancer syndrome; BRCA1- and BRCA2-Associated Hereditary Breast and Ovarian Cancer; Hereditary breast and/or ovarian cancer syndrome; Hereditary breast and ovarian cancer; Breast and ovarian cancer; Hereditary breast and ovarian cancer syndrome (HBOC). Identifiers: Orphanet 145, MedGen C0677776, MeSH D061325, MONDO:0003582. Disease mechanism: loss of function.
Breast-ovarian cancer, familial, susceptibility to, 2 (BROVCA2). Also called: BRCA2 Hereditary Breast and Ovarian Cancer. Identifiers: Orphanet 145, MedGen C2675520, MONDO:0012933, OMIM 612555. Disease mechanism: loss of function.

Allele frequency attached by ClinVar (database versions not stated): gnomAD exomes below 0.00001; ExAC 0.00001.
gnomAD v4.1: 2 of 1,611,038 alleles (0.00012%); highest among the groups gnomAD compares: Non-Finnish European, 0.00017%; no homozygotes.

Submissions (2):

Evidence-based Network for the Interpretation of Germline Mutant Alleles (ENIGMA)
Classification: Likely benign for Breast-ovarian cancer, familial, susceptibility to, 2. Last evaluated: 2017-06-29. Review status: reviewed by expert panel. Criteria: ENIGMA BRCA1/2 Classification Criteria (2017-06-29). Collection method: curation. Allele origin: germline.
Comment: Synonymous substitution variant, with low bioinformatic likelihood to result in a splicing aberration (Splicing prior probability 0.02).

Labcorp Genetics (formerly Invitae), Labcorp
Classification: Likely benign for Hereditary breast ovarian cancer syndrome. Last evaluated: 2023-04-13. Review status: criteria provided, single submitter. Criteria: Invitae Variant Classification Sherloc (09022015). Collection method: clinical testing. Allele origin: germline. Not counted in ClinVar's aggregate classification.